The following is an entry in ClinVar:

NM_001197104.2(KMT2A):c.11147G>A (p.Gly3716Asp)

Genes: KMT2A (lysine methyltransferase 2A; plus strand), TTC36-AS1 (TTC36 and KMT2A antisense RNA 1; minus strand). Cytogenetic location: 11q23.3.
Variant type: single nucleotide variant.
Coding change: c.11147G>A on transcript NM_001197104.2 (MANE Select); coding-DNA position 11147, G replaced by A.
Protein change: p.Gly3716Asp; replaces glycine 3716 with aspartic acid.
Molecular consequence: missense variant. On other transcripts: non-coding transcript variant (4).
Genome position (GRCh38, 1-based): chr11:118,519,618, G>A. VCF-style: chr11-118519618-G-A. GRCh37 (hg19) VCF-style: chr11-118390333-G-A.
Other names: c.11237G>A, p.Gly3746Asp (NM_001412597.1); c.11138G>A, p.Gly3713Asp (NM_005933.4); short protein forms G3713D, G3746D, G3716D.
Identifiers: ClinVar variation 3648369 (VCV003648369.2).

ClinVar aggregate classification (germline): Uncertain significance (1 of 4 stars; one submission).

gnomAD v4.1: 1 of 1,611,280 alleles (0.000062%); highest among the groups gnomAD compares: Non-Finnish European, 0.000085%; no homozygotes.

Submission:

Labcorp Genetics (formerly Invitae), Labcorp
Classification: Uncertain significance. Last evaluated: 2024-04-25. Review status: criteria provided, single submitter. Criteria: Invitae Variant Classification Sherloc (09022015). Collection method: clinical testing. Allele origin: germline.
Comment: This sequence change replaces glycine, which is neutral and non-polar, with aspartic acid, which is acidic and polar, at codon 3716 of the KMT2A protein (p.Gly3716Asp). This variant is not present in population databases (gnomAD no frequency). This variant has not been reported in the literature in individuals affected with KMT2A-related conditions. An algorithm developed to predict the effect of missense changes on protein structure and function (PolyPhen-2) suggests that this variant is likely to be disruptive. In summary, the available evidence is currently insufficient to determine the role of this variant in disease. Therefore, it has been classified as a Variant of Uncertain Significance.